The following is an entry in ClinVar:

ClinVar aggregate classification (germline): Uncertain significance. Review status: criteria provided, multiple submitters, no conflicts (2 of 4 stars). 2 submissions from 2 submitters: Uncertain significance (2). Last evaluated 2024-07-05.

Conditions:
Familial cold autoinflammatory syndrome 3 (FCAS3). Also called: ANTIBODY DEFICIENCY AND IMMUNE DYSREGULATION, PLCG2-ASSOCIATED; FAMILIAL ATYPICAL COLD URTICARIA. Identifiers: Orphanet 300359, MedGen C3280914, MONDO:0013766, OMIM 614468.
Inborn genetic diseases. Identifiers: MedGen C0950123, MeSH D030342.

Allele frequency attached by ClinVar (database versions not stated): TOPMed below 0.00001; gnomAD 0.00001.
gnomAD v4.1: 1 of 1,614,046 alleles (0.000062%); highest among the groups gnomAD compares: African/African-American, 0.0013%; no homozygotes.

Submissions (2):

Ambry Genetics
Classification: Uncertain significance for Inborn genetic diseases. Last evaluated: 2024-07-05. Review status: criteria provided, single submitter. Criteria: Ambry Variant Classification Scheme 2023. Collection method: clinical testing. Allele origin: germline.

Labcorp Genetics (formerly Invitae), Labcorp
Classification: Uncertain significance for Familial cold autoinflammatory syndrome 3. Last evaluated: 2022-09-02. Review status: criteria provided, single submitter. Criteria: Invitae Variant Classification Sherloc (09022015). Collection method: clinical testing. Allele origin: germline.
Comment: In summary, the available evidence is currently insufficient to determine the role of this variant in disease. Therefore, it has been classified as a Variant of Uncertain Significance. This sequence change replaces aspartic acid, which is acidic and polar, with glutamic acid, which is acidic and polar, at codon 470 of the PLCG2 protein (p.Asp470Glu). This variant is not present in population databases (gnomAD no frequency). This variant has not been reported in the literature in individuals affected with PLCG2-related conditions. Algorithms developed to predict the effect of missense changes on protein structure and function (SIFT, PolyPhen-2, Align-GVGD) all suggest that this variant is likely to be tolerated.

NM_002661.5(PLCG2):c.1410C>G (p.Asp470Glu)

Gene: PLCG2 (phospholipase C gamma 2; plus strand). Cytogenetic location: 16q23.3.
Variant type: single nucleotide variant.
Coding change: c.1410C>G on transcript NM_002661.5 (MANE Select); coding-DNA position 1410, C replaced by G.
Protein change: p.Asp470Glu; replaces aspartic acid 470 with glutamic acid.
Molecular consequence: missense variant.
Genome position (GRCh38, 1-based): chr16:81,905,450, C>G. VCF-style: chr16-81905450-C-G. GRCh37 (hg19) VCF-style: chr16-81939055-C-G.
Other names: short protein forms D470E.
Identifiers: ClinVar variation 1975045 (VCV001975045.6), dbSNP rs898932513, ClinGen allele CA285146900.